The following is an entry in ClinVar:

ClinVar aggregate classification (germline): Uncertain significance (1 of 4 stars; one submission).

Allele frequency attached by ClinVar (database versions not stated): gnomAD exomes below 0.00001 and 0.00002; gnomAD 0.00001; TOPMed 0.00001.
gnomAD v4.1: 35 of 1,611,734 alleles (0.0022%); highest among the groups gnomAD compares: Non-Finnish European, 0.003%; no homozygotes.

Submission:

Labcorp Genetics (formerly Invitae), Labcorp
Classification: Uncertain significance. Last evaluated: 2021-11-08. Review status: criteria provided, single submitter. Criteria: Invitae Variant Classification Sherloc (09022015). Collection method: clinical testing. Allele origin: germline.
Comment: This sequence change affects codon 434 of the C5 mRNA. It is a 'silent' change, meaning that it does not change the encoded amino acid sequence of the C5 protein. It affects a nucleotide within the consensus splice site. This variant is present in population databases (no rsID available, gnomAD 0.0009%). This variant has not been reported in the literature in individuals affected with C5-related conditions. Algorithms developed to predict the effect of sequence changes on RNA splicing suggest that this variant is not likely to affect RNA splicing. In summary, the available evidence is currently insufficient to determine the role of this variant in disease. Therefore, it has been classified as a Variant of Uncertain Significance.

NM_001735.3(C5):c.1302T>C (p.Asn434=)

Gene: C5 (complement C5; minus strand). Cytogenetic location: 9q33.2.
Variant type: single nucleotide variant.
Coding change: c.1302T>C on transcript NM_001735.3 (MANE Select); coding-DNA position 1302, T replaced by C.
Protein change: p.Asn434=; no amino-acid change (asparagine 434 retained).
Molecular consequence: synonymous variant.
Genome position (GRCh38, 1-based): chr9:121,021,509, A>G on the plus strand (T>C on the coding strand, the complement: C5 is on the minus strand). VCF-style: chr9-121021509-A-G. GRCh37 (hg19) VCF-style: chr9-123783787-A-G.
Other names: c.1320T>C, p.Asn440= (NM_001317163.2); c.1302T>C, p.Asn434= (NM_001317164.2).
Identifiers: ClinVar variation 1413074 (VCV001413074.3), dbSNP rs1464828523, ClinGen allele CA466943299.